The following continues an entry in ClinVar:

NM_033100.4(CDHR1):c.783G>A (p.Pro261=)

Gene: CDHR1. ClinVar aggregate classification (germline): Conflicting classifications of pathogenicity. Pathogenic (3); Likely pathogenic (14); Uncertain significance (8).

Submissions 29 to 40 of 40:

OMIM
Classification: Pathogenic for CONE-ROD DYSTROPHY 15. Last evaluated: 2014-01-01. Review status: no assertion criteria provided. Collection method: literature only. Allele origin: germline. Not counted in ClinVar's aggregate classification.

Dr. Peter K. Rogan Lab, Western University
No classification provided (evidence only). Condition: Malignant tumor of urinary bladder. Review status: no classification provided. Collection method: in vitro. Allele origin: not applicable. Functional consequence: skipped exon, retained intron. Not counted in ClinVar's aggregate classification.

Dr. Peter K. Rogan Lab, Western University
No classification provided (evidence only). Condition: Papillary renal cell carcinoma type 1. Review status: no classification provided. Collection method: in vitro. Allele origin: not applicable. Functional consequence: skipped exon. Not counted in ClinVar's aggregate classification.

Dr. Peter K. Rogan Lab, Western University
No classification provided (evidence only). Condition: Melanoma. Review status: no classification provided. Collection method: in vitro. Allele origin: not applicable. Functional consequence: retained intron. Not counted in ClinVar's aggregate classification.

Dr. Peter K. Rogan Lab, Western University
No classification provided (evidence only). Condition: Familial cancer of breast. Review status: no classification provided. Collection method: in vitro. Allele origin: not applicable. Functional consequence: retained intron. Not counted in ClinVar's aggregate classification.

Dr. Peter K. Rogan Lab, Western University
No classification provided (evidence only). Condition: Colon adenocarcinoma. Review status: no classification provided. Collection method: in vitro. Allele origin: not applicable. Functional consequence: skipped exon. Not counted in ClinVar's aggregate classification.

Dr. Peter K. Rogan Lab, Western University
No classification provided (evidence only). Condition: Colon adenocarcinoma. Review status: no classification provided. Collection method: in vitro. Allele origin: not applicable. Functional consequence: skipped exon, retained intron. Not counted in ClinVar's aggregate classification.

Dr. Peter K. Rogan Lab, Western University
No classification provided (evidence only). Condition: Colorectal cancer. Review status: no classification provided. Collection method: in vitro. Allele origin: not applicable. Functional consequence: skipped exon, retained intron. Not counted in ClinVar's aggregate classification.

Dr. Peter K. Rogan Lab, Western University
No classification provided (evidence only). Condition: Colorectal cancer. Review status: no classification provided. Collection method: in vitro. Allele origin: not applicable. Functional consequence: skipped exon, retained intron. Not counted in ClinVar's aggregate classification.

Dr. Peter K. Rogan Lab, Western University
No classification provided (evidence only). Condition: Hepatocellular carcinoma. Review status: no classification provided. Collection method: in vitro. Allele origin: not applicable. Functional consequence: retained intron. Not counted in ClinVar's aggregate classification.

Dr. Peter K. Rogan Lab, Western University
No classification provided (evidence only). Condition: Gastric cancer. Review status: no classification provided. Collection method: in vitro. Allele origin: not applicable. Functional consequence: retained intron. Not counted in ClinVar's aggregate classification.

Dr. Peter K. Rogan Lab, Western University
No classification provided (evidence only). Condition: Gastric cancer. Review status: no classification provided. Collection method: in vitro. Allele origin: not applicable. Functional consequence: retained intron. Not counted in ClinVar's aggregate classification.

Literature cited by the submitters: PubMed 23591405 (cited by 6 submitters); PubMed 28224992 (cited by 3 submitters); PubMed 28765526 (cited by 7 submitters); PubMed 28885867 (cited by 6 submitters); PubMed 29555955 (cited by 3 submitters); PubMed 30718709 (cited by 3 submitters); PubMed 31387115 (cited by 5 submitters); PubMed 32037395 (cited by Department of Molecular Genetics, Istishari Arab Hospital and Institute of Human Genetics, Univ. Regensburg, Univ. Regensburg); PubMed 32531858 (cited by Department of Molecular Genetics, Istishari Arab Hospital and Institute of Human Genetics, Univ. Regensburg, Univ. Regensburg); PubMed 32681094 (cited by 5 submitters); PubMed 34327195 (cited by Department of Molecular Genetics, Istishari Arab Hospital and Institute of Human Genetics, Univ. Regensburg, Univ. Regensburg); PubMed 34426522 (cited by Department of Molecular Genetics, Istishari Arab Hospital and Institute of Human Genetics, Univ. Regensburg, Univ. Regensburg); PubMed 34795310 (cited by 3 submitters); PubMed 35260635 (cited by Department of Molecular Genetics, Istishari Arab Hospital and Institute of Human Genetics, Univ. Regensburg, Univ. Regensburg); PubMed 35836572 (cited by Department of Molecular Genetics, Istishari Arab Hospital and Institute of Human Genetics, Univ. Regensburg, Univ. Regensburg); PubMed 36259723 (cited by Department of Molecular Genetics, Istishari Arab Hospital and Institute of Human Genetics, Univ. Regensburg, Univ. Regensburg); PubMed 36460718 (cited by Department of Molecular Genetics, Istishari Arab Hospital and Institute of Human Genetics, Univ. Regensburg, Univ. Regensburg); PubMed 33546218 (cited by Labcorp Genetics (formerly Invitae), Labcorp and Molecular Genetics, Royal Melbourne Hospital); PubMed 37510321 (cited by Labcorp Genetics (formerly Invitae), Labcorp); PubMed 37734845 (cited by Labcorp Genetics (formerly Invitae), Labcorp); PubMed 38219857 (cited by Labcorp Genetics (formerly Invitae), Labcorp); PubMed 17576681 (cited by Labcorp Genetics (formerly Invitae), Labcorp); PubMed 9536098 (cited by Labcorp Genetics (formerly Invitae), Labcorp); PubMed 34906470 (cited by Broad Center for Mendelian Genomics, Broad Institute of MIT and Harvard); PubMed 27353947 (cited by Laboratory for Molecular Medicine, Mass General Brigham Personalized Medicine); PubMed 35627310 (cited by OMIM).